The following is an entry in ClinVar:

ClinVar aggregate classification (germline): Benign/Likely benign. Review status: criteria provided, multiple submitters, no conflicts (2 of 4 stars). 4 submissions from 4 submitters: Benign (1); Likely benign (2). 1 of the submissions does not count toward it. Last evaluated 2026-01-13.

Conditions:
Macrothrombocytopenia, isolated, 1, autosomal dominant (MACTHC1). Also called: Autosomal dominant macrothrombocytopenia TUBB1-related. Identifiers: Orphanet 140957, MedGen C5676892, MONDO:0800047, OMIM 613112.

Allele frequency attached by ClinVar (database versions not stated): gnomAD exomes 0.00041 and 0.00107; ExAC 0.00125; gnomAD 0.00373 and 0.00402; 1000 Genomes Project 0.00379; 1000 Genomes Project 30x 0.00468; TOPMed 0.00476; ESP Exome Variant Server 0.00492.
gnomAD v4.1: 1,169 of 1,613,968 alleles (0.072%); highest among the groups gnomAD compares: African/African-American, 1.4%; 7 homozygotes.

Submissions (4):

Labcorp Genetics (formerly Invitae), Labcorp
Classification: Benign. Last evaluated: 2026-01-13. Review status: criteria provided, single submitter. Criteria: Invitae Variant Classification Sherloc (09022015). Collection method: clinical testing. Allele origin: germline.

Blueprint Genetics
Classification: Likely benign. Last evaluated: 2024-10-02. Review status: criteria provided, single submitter. Criteria: ACMG Guidelines, 2015. Collection method: clinical testing. Allele origin: germline.

Mayo Clinic Laboratories, Mayo Clinic
Classification: Likely benign. Last evaluated: 2024-03-26. Review status: criteria provided, single submitter. Criteria: ACMG Guidelines, 2015. Collection method: clinical testing. Allele origin: germline. Observed: 2 variant alleles.
Comment: BS1, BP6

ISTH-SSC Genomics in Thrombosis and Hemostasis, KU Leuven, Center for Molecular and Vascular Biology
Classification: Benign for Macrothrombocytopenia, isolated, 1, autosomal dominant. Review status: no assertion criteria provided. Collection method: clinical testing. Allele origin: germline. Not counted in ClinVar's aggregate classification.
Comment: Submitted to GoldVariant by Juliana Perez Botero from Versiti Diagnostic Laboratories, USA

NM_030773.4(TUBB1):c.827A>G (p.Gln276Arg)

Gene: TUBB1 (tubulin beta 1 class VI; plus strand). Cytogenetic location: 20q13.32.
Variant type: single nucleotide variant.
Coding change: c.827A>G on transcript NM_030773.4 (MANE Select); coding-DNA position 827, A replaced by G.
Protein change: p.Gln276Arg; replaces glutamine 276 with arginine.
Molecular consequence: missense variant.
Genome position (GRCh38, 1-based): chr20:59,024,254, A>G. VCF-style: chr20-59024254-A-G. GRCh37 (hg19) VCF-style: chr20-57599309-A-G.
Other names: p.Gln276Arg; short protein forms Q276R.
Identifiers: ClinVar variation 1684375 (VCV001684375.8), dbSNP rs144046758, ClinGen allele CA9928594.